The following is an entry in ClinVar:

NC_000023.11:g.53227827C>T

Genes: IQSEC2 (IQ motif and Sec7 domain ArfGEF 2; minus strand), KDM5C (lysine demethylase 5C; minus strand). Cytogenetic location: Xp11.22.
Variant type: single nucleotide variant.
Genome position: GRCh38 VCF-style: chrX-53227827-C-T. GRCh37 (hg19) VCF-style: chrX-53257009-C-T.
Identifiers: ClinVar variation 2660597 (VCV002660597.24), dbSNP rs189949958, ClinGen allele CA329160536.
Genomic context (GRCh38, chrX:53,227,827, plus strand): 5'-GAGCATGAATCAGGAATCAGGAGGCCAGATTTTGGGTCTCAGCTCTGCACAGTCTTCCTA[C>T]AGCCTTCTTTGAGGTCCTTTAGCCCAGACACACCCGTCCTAGAAGATTAAATAGAAATTA-3'

ClinVar aggregate classification (germline): Likely benign (1 of 4 stars; one submission).

Allele frequency attached by ClinVar (database versions not stated): 1000 Genomes Project 30x 0.00042; 1000 Genomes Project 0.00053; gnomAD 0.00062; TOPMed 0.00083; gnomAD exomes 0.00107.
gnomAD v4.1: 149 of 175,684 alleles (0.085%); highest among the groups gnomAD compares: Middle Eastern, 0.82%; no homozygotes.

Submission:

CeGaT Center for Human Genetics Tuebingen
Classification: Likely benign. Last evaluated: 2023-06-01. Review status: criteria provided, single submitter. Criteria: CeGaT Center For Human Genetics Tuebingen Variant Classification Criteria Version 2. Collection method: clinical testing. Allele origin: germline. Affected: yes. Observed: 3 variant alleles.
Comment: KDM5C: BS2